The following is an entry in ClinVar:

ClinVar aggregate classification (germline): Uncertain significance (1 of 4 stars; one submission).

Conditions:
Ehlers-Danlos syndrome, classic type, 1 (EDSCL1). Also called: EHLERS-DANLOS SYNDROME, GRAVIS TYPE; EHLERS-DANLOS SYNDROME, SEVERE CLASSIC TYPE; Ehlers-Danlos syndrome, type 1; Ehlers-Danlos Syndrome, Classic Type, COL5A1-Related; EDS I. Identifiers: MedGen C0268335, MONDO:0019567, OMIM 130000.

Submission:

Labcorp Genetics (formerly Invitae), Labcorp
Classification: Uncertain significance for Ehlers-Danlos syndrome, classic type, 1. Last evaluated: 2023-01-23. Review status: criteria provided, single submitter. Criteria: Invitae Variant Classification Sherloc (09022015). Collection method: clinical testing. Allele origin: germline.
Comment: This sequence change replaces glycine, which is neutral and non-polar, with arginine, which is basic and polar, at codon 360 of the COL5A1 protein (p.Gly360Arg). In summary, the available evidence is currently insufficient to determine the role of this variant in disease. Therefore, it has been classified as a Variant of Uncertain Significance. Advanced modeling of protein sequence and biophysical properties (such as structural, functional, and spatial information, amino acid conservation, physicochemical variation, residue mobility, and thermodynamic stability) performed at Invitae indicates that this missense variant is not expected to disrupt COL5A1 protein function. This missense change has been observed in individual(s) with clinical features of Ehlers-Danlos syndrome (Invitae). This variant is not present in population databases (gnomAD no frequency).

NM_000093.5(COL5A1):c.1078G>A (p.Gly360Arg)

Gene: COL5A1 (collagen type V alpha 1 chain; plus strand). Cytogenetic location: 9q34.3.
Variant type: single nucleotide variant.
Coding change: c.1078G>A on transcript NM_000093.5 (MANE Select); coding-DNA position 1078, G replaced by A.
Protein change: p.Gly360Arg; replaces glycine 360 with arginine.
Molecular consequence: missense variant.
Genome position (GRCh38, 1-based): chr9:134,730,389, G>A. VCF-style: chr9-134730389-G-A. GRCh37 (hg19) VCF-style: chr9-137622235-G-A.
Other names: c.1078G>A, p.Gly360Arg (NM_001278074.1); short protein forms G360R.
Identifiers: ClinVar variation 2820678 (VCV002820678.3), dbSNP rs749016960, ClinGen allele CA375449867.